The following is an entry in ClinVar:

ClinVar aggregate classification (germline): Uncertain significance (1 of 4 stars; one submission).

gnomAD v4.1: 18 of 1,608,850 alleles (0.0011%); highest among the groups gnomAD compares: South Asian, 0.012%; no homozygotes.

Submission:

GeneDx
Classification: Uncertain significance. Last evaluated: 2024-05-31. Review status: criteria provided, single submitter. Criteria: GeneDx Variant Classification Process June 2021. Collection method: clinical testing. Allele origin: germline. Affected: yes.
Comment: Not observed at significant frequency in large population cohorts (gnomAD); In silico analysis supports that this missense variant has a deleterious effect on protein structure/function; Has not been previously published as pathogenic or benign to our knowledge; In silico analysis is inconclusive as to whether the variant alters gene splicing. In the absence of RNA/functional studies, the actual effect of this sequence change is unknown.

NM_017547.4(FOXRED1):c.1055G>A (p.Arg352Gln)

Gene: FOXRED1 (FAD dependent oxidoreductase domain containing 1; plus strand). Cytogenetic location: 11q24.2.
Variant type: single nucleotide variant.
Coding change: c.1055G>A on transcript NM_017547.4 (MANE Select); coding-DNA position 1055, G replaced by A.
Protein change: p.Arg352Gln; replaces arginine 352 with glutamine.
Molecular consequence: missense variant. On other transcripts: non-coding transcript variant (3).
Genome position (GRCh38, 1-based): chr11:126,276,477, G>A. VCF-style: chr11-126276477-G-A. GRCh37 (hg19) VCF-style: chr11-126146372-G-A.
Other names: c.1085G>A, p.Arg362Gln (NM_001425160.1); c.1055G>A, p.Arg352Gln (NM_001425161.1, NM_001425163.1, NM_001425165.1 and 1 more transcripts); c.1052G>A, p.Arg351Gln (NM_001425164.1); c.953G>A, p.Arg318Gln (NM_001425167.1); c.545G>A, p.Arg182Gln (NM_001425168.1, NM_001425169.1, NM_001425170.1); c.494G>A, p.Arg165Gln (NM_001425171.1, NM_001425172.1); c.422G>A, p.Arg141Gln (NM_001425173.1, NM_001425174.1, NM_001425175.1); short protein forms R141Q, R165Q, R182Q, R318Q, R351Q, R352Q, R362Q.
Identifiers: ClinVar variation 3383749 (VCV003383749.1).
Genomic context (GRCh38, chr11:126,276,477, plus strand): 5'-CCCAGGGACCAGGCCTAGAGACTCCGCTTGTTGCAGACACCAGTGGAGCCTATTTTCGCC[G>A]GGAAGGATTAGGTAGCAACTACCTAGGTGGTCGTAGCCCCACTGAGGTAAGCTGAGTGGG-3'
Protein context (NP_060017.1, residues 342-362): VADTSGAYFR[Arg352Gln]EGLGSNYLGG